The following is an entry in ClinVar:

NM_152564.5(VPS13B):c.412+1G>C

Gene: VPS13B (vacuolar protein sorting 13 homolog B; plus strand). Cytogenetic location: 8q22.2.
Variant type: single nucleotide variant.
Coding change: c.412+1G>C on transcript NM_152564.5 (MANE Select); the canonical splice donor site of the intron after coding-DNA position 412, G replaced by C.
Molecular consequence: splice donor variant.
Genome position (GRCh38, 1-based): chr8:99,096,433, G>C. VCF-style: chr8-99096433-G-C. GRCh37 (hg19) VCF-style: chr8-100108661-G-C.
Other names: c.412+1G>C (NM_017890.5, NM_015243.3, NM_181661.3).
Identifiers: ClinVar variation 837946 (VCV000837946.8), dbSNP rs1057517295, ClinGen allele CA371858258.

ClinVar aggregate classification (germline): Likely pathogenic (1 of 4 stars; one submission).

Conditions:
Cohen syndrome (COH1). Also called: Cutis verticis gyrata, retinitis pigmentosa, and sensorineural deafness; PEPPER SYNDROME. Identifiers: Orphanet 193, MedGen C0265223, MONDO:0008999, OMIM 216550.

gnomAD v4.1: 6 of 1,613,890 alleles (0.00037%); highest among the groups gnomAD compares: Non-Finnish European, 0.00051%; no homozygotes.

Submission:

Labcorp Genetics (formerly Invitae), Labcorp
Classification: Likely pathogenic for Cohen syndrome. Last evaluated: 2022-04-14. Review status: criteria provided, single submitter. Criteria: Invitae Variant Classification Sherloc (09022015). Collection method: clinical testing. Allele origin: germline.
Comment: In summary, the currently available evidence indicates that the variant is pathogenic, but additional data are needed to prove that conclusively. Therefore, this variant has been classified as Likely Pathogenic. Algorithms developed to predict the effect of sequence changes on RNA splicing suggest that this variant may disrupt the consensus splice site. ClinVar contains an entry for this variant (Variation ID: 837946). This variant has not been reported in the literature in individuals affected with VPS13B-related conditions. This variant is not present in population databases (gnomAD no frequency). This sequence change affects a donor splice site in intron 4 of the VPS13B gene. It is expected to disrupt RNA splicing. Variants that disrupt the donor or acceptor splice site typically lead to a loss of protein function (PMID: 16199547), and loss-of-function variants in VPS13B are known to be pathogenic (PMID: 15141358, 16648375, 20461111).

Literature cited by the submitters: PubMed 16199547; PubMed 15141358; PubMed 16648375; PubMed 20461111.